The following is an entry in ClinVar:

NM_006180.6(NTRK2):c.1397-50465G>A

Gene: NTRK2 (neurotrophic receptor tyrosine kinase 2; plus strand). Cytogenetic location: 9q21.33.
Variant type: single nucleotide variant.
Coding change: c.1397-50465G>A on transcript NM_006180.6 (MANE Select); 50465 bases into the intron before coding-DNA position 1397, G replaced by A.
Molecular consequence: intron variant. On other transcripts: missense variant (15), 3 prime UTR variant (1).
Genome position (GRCh38, 1-based): chr9:84,810,575, G>A. VCF-style: chr9-84810575-G-A. GRCh37 (hg19) VCF-style: chr9-87425490-G-A.
Other names: c.1430G>A, p.Gly477Glu (NM_001007097.3, NM_001369539.1, NM_001369540.1 and 7 more transcripts); c.1391G>A, p.Gly464Glu (NM_001291937.2, NM_001369546.1); c.*67G>A (NM_001369547.1); c.962G>A, p.Gly321Glu (NM_001369550.1, NM_001369551.1, NM_001369552.1); c.1397-56668G>A (NM_001369532.1, NM_001369533.1, NM_001018066.3 and 2 more transcripts); c.1397-50465G>A (NM_001369537.1, NM_001018065.2); c.1361-56668G>A (NM_001369534.1); c.929-50465G>A (NM_001369536.1); and 1 more; short protein forms G321E, G464E, G477E.
Identifiers: ClinVar variation 3363402 (VCV003363402.1).

ClinVar aggregate classification (germline): Uncertain significance (1 of 4 stars; one submission).

Submission:

GeneDx
Classification: Uncertain significance. Last evaluated: 2023-10-31. Review status: criteria provided, single submitter. Criteria: GeneDx Variant Classification Process June 2021. Collection method: clinical testing. Allele origin: germline. Affected: yes.
Comment: Not observed at significant frequency in large population cohorts (gnomAD); In silico analysis supports that this variant does not alter splicing; Has not been previously published as pathogenic or benign to our knowledge; Reported using an alternate transcript of the gene